The following is an entry in ClinVar:

ClinVar aggregate classification (germline): Uncertain significance (1 of 4 stars; one submission).

Conditions:
UCP3-related disorder. Also called: UCP3-related condition.

Submission:

PreventionGenetics, part of Exact Sciences
Classification: Uncertain significance for UCP3-related condition. Last evaluated: 2025-07-30. Review status: criteria provided, single submitter. Criteria: ACMG Guidelines, 2015. Collection method: clinical testing. Allele origin: germline.
Comment: The UCP3 c.592_594delGTG variant is predicted to result in an in-frame deletion (p.Val198del). To our knowledge, this variant has not been reported in the literature or in a large population database (gnomAD), indicating this variant is rare. At this time, the clinical significance of this variant is uncertain due to the absence of conclusive functional and genetic evidence.

NM_003356.4(UCP3):c.589GTG[1] (p.Val198del)

Genes: UCP3 (uncoupling protein 3; minus strand), LOC126861261 (MED14-independent group 3 enhancer GRCh37_chr11:73715060-73716259; plus strand). Cytogenetic location: 11q13.4.
Variant type: Microsatellite.
Coding change: c.589GTG[1] on transcript NM_003356.4 (MANE Select); one copy of the 3-base unit GTG starting at c.589; the reference has two copies in a row; one copy, 3 bases deleted.
Protein change: p.Val198del; deletes valine 198.
Molecular consequence: inframe deletion.
Genome position (GRCh38, 1-based): chr11:74,004,533-74,004,535, CAC deleted on the plus strand (GTG on the coding strand, the reverse complement: UCP3 is on the minus strand); deleting any 3 consecutive bases within chr11:74,004,533-74,004,539 gives the same sequence; the position shown is the placement nearest the transcript's 3' end. VCF-style (leftmost placement, unchanged base first): chr11-74004532-TCAC-T. GRCh37 (hg19) VCF-style: chr11-73715577-TCAC-T.
Other names: c.589GTG[1], p.Val198del (NM_022803.3); short protein forms V198del.
Identifiers: ClinVar variation 4985922 (VCV004985922.1).